The following is an entry in ClinVar:

NM_003900.5(SQSTM1):c.73T>C (p.Phe25Leu)

Gene: SQSTM1 (sequestosome 1; plus strand). Cytogenetic location: 5q35.3.
Variant type: single nucleotide variant.
Coding change: c.73T>C on transcript NM_003900.5 (MANE Select); coding-DNA position 73, T replaced by C.
Protein change: p.Phe25Leu; replaces phenylalanine 25 with leucine.
Molecular consequence: missense variant. On other transcripts: intron variant (2).
Genome position (GRCh38, 1-based): chr5:179,821,009, T>C. VCF-style: chr5-179821009-T-C. GRCh37 (hg19) VCF-style: chr5-179248009-T-C.
Other names: c.-47-1949T>C (NM_001142298.2, NM_001142299.2); short protein forms F25L.
Identifiers: ClinVar variation 1050500 (VCV001050500.7), dbSNP rs1353365075, ClinGen allele CA362442232.
Genomic context (GRCh38, chr5:179,821,009, plus strand): 5'-ACCGTGAAGGCCTACCTTCTGGGCAAGGAGGACGCGGCGCGCGAGATTCGCCGCTTCAGC[T>C]TCTGCTGCAGCCCCGAGCCTGAGGCGGAAGCCGAGGCTGCGGCGGGTCCGGGACCCTGCG-3'
Protein context (NP_003891.1, residues 15-35): DAAREIRRFS[Phe25Leu]CCSPEPEAEA

ClinVar aggregate classification (germline): Uncertain significance. Review status: criteria provided, single submitter (1 of 4 stars). 2 submissions from 2 submitters: Uncertain significance (1). 1 of the submissions does not count toward it. Last evaluated 2022-04-23.

Conditions:
Paget disease of bone 2, early-onset (PDB2). Also called: Paget disease of bone 2. Identifiers: MedGen C4085251, MONDO:0011183, OMIM 602080.
Frontotemporal dementia and/or amyotrophic lateral sclerosis 1 (FTDALS1). Also called: Frontotemporal dementia with motor neuron disease 1; C9orf72 Frontotemporal Dementia and/or Amyotrophic Lateral Sclerosis. Identifiers: Orphanet 275872, MedGen C5779877, MONDO:0007105, OMIM 105550.

Allele frequency attached by ClinVar (database versions not stated): gnomAD exomes 0.00001.
gnomAD v4.1: 3 of 1,573,314 alleles (0.00019%); highest among the groups gnomAD compares: Non-Finnish European, 0.00026%; no homozygotes.

Submissions (2):

Labcorp Genetics (formerly Invitae), Labcorp
Classification: Uncertain significance for Paget disease of bone 2, early-onset; Frontotemporal dementia and/or amyotrophic lateral sclerosis 1. Last evaluated: 2022-04-23. Review status: criteria provided, single submitter. Criteria: Invitae Variant Classification Sherloc (09022015). Collection method: clinical testing. Allele origin: germline.
Comment: In summary, the available evidence is currently insufficient to determine the role of this variant in disease. Therefore, it has been classified as a Variant of Uncertain Significance. Algorithms developed to predict the effect of missense changes on protein structure and function (SIFT, PolyPhen-2, Align-GVGD) all suggest that this variant is likely to be tolerated. ClinVar contains an entry for this variant (Variation ID: 1050500). This variant has not been reported in the literature in individuals affected with SQSTM1-related conditions. The frequency data for this variant in the population databases is considered unreliable, as metrics indicate poor data quality at this position in the gnomAD database. This sequence change replaces phenylalanine, which is neutral and non-polar, with leucine, which is neutral and non-polar, at codon 25 of the SQSTM1 protein (p.Phe25Leu).

Department of Pathology and Laboratory Medicine, Sinai Health System
Classification: Uncertain significance. Review status: no assertion criteria provided. Collection method: clinical testing. Allele origin: unknown. Affected: yes. Study: The Canadian Open Genetics Repository (COGR). Not counted in ClinVar's aggregate classification.
Comment: The SQSTM1 p.Phe25Leu variant was not identified in the literature nor was it identified in ClinVar. The variant was identified in dbSNP (ID: rs1353365075) and in control databases in 1 of 194224 chromosomes at a frequency of 0.000005149 (Genome Aggregation Database March 6, 2019, v2.1.1). The variant was observed in the European (non-Finnish) population in 1 of 90056 chromosomes (freq: 0.000011), but was not observed in the African, Latino, Ashkenazi Jewish, East Asian, European (Finnish), Other, or South Asian populations. The p.Phe25 residue is conserved in mammals but not in more distantly related organisms however four out of five computational analyses (PolyPhen-2, SIFT, AlignGVGD, BLOSUM, MutationTaster) do not suggest a high likelihood of impact to the protein; this information is not predictive enough to rule out pathogenicity. The variant occurs outside of the splicing consensus sequence and in silico or computational prediction software programs (SpliceSiteFinder, MaxEntScan, NNSPLICE, GeneSplicer) do not predict a difference in splicing. In summary, based on the above information the clinical significance of this variant cannot be determined with certainty at this time. This variant is classified as a variant of uncertain significance.